The following is an entry in ClinVar:

NM_001042492.3(NF1):c.1938T>C (p.Asp646=)

Gene: NF1 (neurofibromin 1; plus strand). Cytogenetic location: 17q11.2.
Variant type: single nucleotide variant.
Coding change: c.1938T>C on transcript NM_001042492.3 (MANE Select); coding-DNA position 1938, T replaced by C.
Protein change: p.Asp646=; no amino-acid change (aspartic acid 646 retained).
Molecular consequence: synonymous variant.
Genome position (GRCh38, 1-based): chr17:31,225,187, T>C. VCF-style: chr17-31225187-T-C. GRCh37 (hg19) VCF-style: chr17-29552205-T-C.
Other names: c.1938T>C, p.Asp646= (NM_000267.4).
Identifiers: ClinVar variation 230533 (VCV000230533.12), dbSNP rs876658620, ClinGen allele CA10580236.
Genomic context (GRCh38, chr17:31,225,187, plus strand): 5'-TTTTTACGGGGTAGGATGTGATATTCCTTCTAGTGGAAATACCAGTCAAATGTCCATGGA[T>C]CATGAAGAATTACTACGTACTCCTGGAGCCTCTCTCCGGAAGGGAAAAGGGAACTCCTCT-3'
Protein context (NP_001035957.1, residues 636-656): SSGNTSQMSM[Asp646=]HEELLRTPGA

ClinVar aggregate classification (germline): Benign/Likely benign. Review status: criteria provided, multiple submitters, no conflicts (2 of 4 stars). 4 submissions from 4 submitters: Benign (1); Likely benign (3). Last evaluated 2026-05-15.

Conditions:
Hereditary cancer-predisposing syndrome. Also called: Hereditary neoplastic syndrome; Neoplastic Syndromes, Hereditary; Hereditary Cancer Syndrome; Tumor predisposition. Identifiers: Orphanet 140162, MedGen C0027672, MeSH D009386, MONDO:0015356.
Neurofibromatosis, type 1 (NF1). Also called: NEUROFIBROMATOSIS, TYPE I, SOMATIC; Neurofibromatosis, type I; VON RECKLINGHAUSEN DISEASE; Peripheral type neurofibromatosis. Identifiers: Orphanet 636, MedGen C0027831, MONDO:0018975, OMIM 162200. Disease mechanism: loss of function.

Allele frequency attached by ClinVar (database versions not stated): TOPMed 0.00001.

Submissions (4):

Myriad Genetics, Inc.
Classification: Benign for Neurofibromatosis, type 1. Last evaluated: 2026-05-15. Review status: criteria provided, single submitter. Criteria: Myriad Autosomal Dominant, Autosomal Recessive and X-Linked Classification Criteria (2023). Collection method: clinical testing. Allele origin: unknown.
Comment: This variant is considered benign. This variant is a silent/synonymous amino acid change and it is not expected to impact splicing.

Labcorp Genetics (formerly Invitae), Labcorp
Classification: Likely benign for Neurofibromatosis, type 1. Last evaluated: 2023-03-08. Review status: criteria provided, single submitter. Criteria: Invitae Variant Classification Sherloc (09022015). Collection method: clinical testing. Allele origin: germline.

Genome-Nilou Lab
Classification: Likely benign for Neurofibromatosis, type 1. Last evaluated: 2022-03-15. Review status: criteria provided, single submitter. Criteria: ACMG Guidelines, 2015. Collection method: clinical testing. Allele origin: germline. Affected: no.

Ambry Genetics
Classification: Likely benign for Hereditary cancer-predisposing syndrome. Last evaluated: 2015-02-25. Review status: criteria provided, single submitter. Criteria: Ambry Autosomal Dominant and X-Linked criteria (10/2015). Collection method: clinical testing. Allele origin: germline. Observed: 1 variant allele.